The following is an entry in ClinVar:

NM_000275.3(OCA2):c.463A>T (p.Lys155Ter)

Gene: OCA2 (OCA2 melanosomal transmembrane protein; minus strand). Cytogenetic location: 15q13.1.
Variant type: single nucleotide variant.
Coding change: c.463A>T on transcript NM_000275.3 (MANE Select); coding-DNA position 463, A replaced by T.
Protein change: p.Lys155Ter; replaces lysine 155 with a stop codon.
Molecular consequence: nonsense.
Genome position (GRCh38, 1-based): chr15:28,027,923, T>A on the plus strand (A>T on the coding strand, the complement: OCA2 is on the minus strand). VCF-style: chr15-28027923-T-A. GRCh37 (hg19) VCF-style: chr15-28273069-T-A.
Other names: c.463A>T, p.Lys155Ter (NM_001300984.2); short protein forms K155*.
Identifiers: ClinVar variation 2844358 (VCV002844358.5), dbSNP rs2548495233, ClinGen allele CA391361904.

ClinVar aggregate classification (germline): Pathogenic/Likely pathogenic. Review status: criteria provided, multiple submitters, no conflicts (2 of 4 stars). 3 submissions from 3 submitters: Pathogenic (2); Likely pathogenic (1). Last evaluated 2025-02-09.

Conditions:
SKIN/HAIR/EYE PIGMENTATION 1, BLUE/NONBLUE EYES (SHEP1). Also called: BROWN EYE COLOR 2; EYE COLOR 3; EYE COLOR, BLUE/NONBLUE; EYE COLOR, BROWN/BLUE; HAIR COLOR 3; SKIN/HAIR/EYE PIGMENTATION 1, BLOND/BROWN HAIR. Identifiers: MedGen C1856895, OMIM 227220.
Tyrosinase-positive oculocutaneous albinism (OCA2). Also called: ALBINISM II; Albinism, oculocutaneous, type II; Oculocutaneous albinism type 2. Identifiers: Orphanet 79432, MedGen C0268495, MONDO:0008746, OMIM 203200.

Submissions (3):

Myriad Genetics, Inc.
Classification: Pathogenic for Tyrosinase-positive oculocutaneous albinism. Last evaluated: 2025-02-09. Review status: criteria provided, single submitter. Criteria: Myriad Autosomal Dominant, Autosomal Recessive and X-Linked Classification Criteria (2023). Collection method: clinical testing. Allele origin: unknown.
Comment: NM_000275.2(OCA2):c.463A>T(K155*) is expected to be pathogenic in the context of oculocutaneous albinism, OCA2-related. This variant is predicted to lead to an abnormal or absent protein product due to the creation of a premature termination codon in OCA2, a gene where loss-of-function variants are known to be pathogenic. Please note: this variant was assessed in the context of healthy population screening.

Baylor Genetics
Classification: Likely pathogenic for SKIN/HAIR/EYE PIGMENTATION 1, BLUE/NONBLUE EYES. Last evaluated: 2023-11-07. Review status: criteria provided, single submitter. Criteria: ACMG Guidelines, 2015. Collection method: clinical testing. Allele origin: unknown.

Labcorp Genetics (formerly Invitae), Labcorp
Classification: Pathogenic. Last evaluated: 2023-05-01. Review status: criteria provided, single submitter. Criteria: Invitae Variant Classification Sherloc (09022015). Collection method: clinical testing. Allele origin: germline.
Comment: This variant has not been reported in the literature in individuals affected with OCA2-related conditions. For these reasons, this variant has been classified as Pathogenic. This variant is not present in population databases (gnomAD no frequency). This sequence change creates a premature translational stop signal (p.Lys155*) in the OCA2 gene. It is expected to result in an absent or disrupted protein product. Loss-of-function variants in OCA2 are known to be pathogenic (PMID: 19865097, 21541274).

Literature cited by the submitters: PubMed 19865097 (cited by Labcorp Genetics (formerly Invitae), Labcorp); PubMed 21541274 (cited by Labcorp Genetics (formerly Invitae), Labcorp).